The following is an entry in ClinVar:

NM_058216.3(RAD51C):c.585T>C (p.Ala195=)

Gene: RAD51C (RAD51 paralog C; plus strand). Cytogenetic location: 17q22.
Variant type: single nucleotide variant.
Coding change: c.585T>C on transcript NM_058216.3 (MANE Select); coding-DNA position 585, T replaced by C.
Protein change: p.Ala195=; no amino-acid change (alanine 195 retained).
Molecular consequence: synonymous variant. On other transcripts: non-coding transcript variant (1).
Genome position (GRCh38, 1-based): chr17:58,703,209, T>C. VCF-style: chr17-58703209-T-C. GRCh37 (hg19) VCF-style: chr17-56780570-T-C.
Other names: c.585T>C (NM_058216.1).
Identifiers: ClinVar variation 1569408 (VCV001569408.17), dbSNP rs2143796798, ClinGen allele CA501075192.

ClinVar aggregate classification (germline): Benign/Likely benign. Review status: criteria provided, multiple submitters, no conflicts (2 of 4 stars). 4 submissions from 4 submitters: Benign (1); Likely benign (3). Last evaluated 2025-09-01.

Conditions:
Hereditary cancer-predisposing syndrome. Also called: Tumor predisposition; Neoplastic Syndromes, Hereditary; Hereditary Cancer Syndrome; Hereditary neoplastic syndrome. Identifiers: Orphanet 140162, MedGen C0027672, MeSH D009386, MONDO:0015356.
Breast-ovarian cancer, familial, susceptibility to, 3. Also called: RAD51C-Related Breast/Ovarian Cancer. Identifiers: Orphanet 145, MedGen C3150659, MONDO:0013253, OMIM 613399.
Fanconi anemia complementation group O. Also called: RAD51C-Related Fanconi Anemia. Identifiers: Orphanet 84, MedGen C3150653, MONDO:0013248, OMIM 613390.

Submissions (4):

CeGaT Center for Human Genetics Tuebingen
Classification: Likely benign. Last evaluated: 2025-09-01. Review status: criteria provided, single submitter. Criteria: CeGaT Center For Human Genetics Tuebingen Variant Classification Criteria Version 2. Collection method: clinical testing. Allele origin: germline. Affected: yes. Observed: 1 variant allele.
Comment: RAD51C: PM2:Supporting, BP4, BP7

Myriad Genetics, Inc.
Classification: Benign for Breast-ovarian cancer, familial, susceptibility to, 3. Last evaluated: 2025-02-18. Review status: criteria provided, single submitter. Criteria: Myriad Autosomal Dominant, Autosomal Recessive and X-Linked Classification Criteria (2023). Collection method: clinical testing. Allele origin: unknown.
Comment: This variant is considered benign. This variant is a silent/synonymous amino acid change and it is not expected to impact splicing.

Ambry Genetics
Classification: Likely benign for Hereditary cancer-predisposing syndrome. Last evaluated: 2023-12-14. Review status: criteria provided, single submitter. Criteria: Ambry Variant Classification Scheme 2023. Collection method: clinical testing. Allele origin: germline.

Labcorp Genetics (formerly Invitae), Labcorp
Classification: Likely benign for Fanconi anemia complementation group O. Last evaluated: 2022-05-07. Review status: criteria provided, single submitter. Criteria: Invitae Variant Classification Sherloc (09022015). Collection method: clinical testing. Allele origin: germline.